The following is an entry in ClinVar:

ClinVar aggregate classification (germline): Pathogenic (1 of 4 stars; one submission).

Conditions:
Familial thoracic aortic aneurysm and aortic dissection (TAAD). Also called: Thoracic aortic aneurysms and dissections. Identifiers: Orphanet 91387, MedGen C4707243, MONDO:0019625.

Submission:

Ambry Genetics
Classification: Pathogenic for Familial thoracic aortic aneurysm and aortic dissection. Last evaluated: 2026-07-23. Review status: criteria provided, single submitter. Criteria: Ambry Variant Classification Scheme 2023. Collection method: clinical testing. Allele origin: germline.
Comment: The p.C2672* pathogenic mutation (also known as c.8016T>A), located in coding exon 63 of the FBN1 gene, results from a T to A substitution at nucleotide position 8016. This changes the amino acid from a cysteine to a stop codon within coding exon 63. This variant was reported in individual(s) with features consistent with Marfan syndrome (Ambry internal data). This variant is considered to be rare based on population cohorts in the Genome Aggregation Database (gnomAD). This alteration is expected to result in loss of function by premature protein truncation or nonsense-mediated mRNA decay. As such, this alteration is interpreted as a disease-causing mutation.

NM_000138.5(FBN1):c.8016T>A (p.Cys2672Ter)

Gene: FBN1 (fibrillin 1; minus strand). Cytogenetic location: 15q21.1.
Variant type: single nucleotide variant.
Coding change: c.8016T>A on transcript NM_000138.5 (MANE Select); coding-DNA position 8016, T replaced by A.
Protein change: p.Cys2672Ter; replaces cysteine 2672 with a stop codon.
Molecular consequence: nonsense.
Genome position (GRCh38, 1-based): chr15:48,415,571, A>T on the plus strand (T>A on the coding strand, the complement: FBN1 is on the minus strand). VCF-style: chr15-48415571-A-T. GRCh37 (hg19) VCF-style: chr15-48707768-A-T.
Other names: c.8016T>A, p.Cys2672Ter (NM_001406716.1); short protein forms C2672*.
Identifiers: ClinVar variation 5021590 (VCV005021590.1).
Genomic context (GRCh38, chr15:48,415,571, plus strand): 5'-CATGACCAGGAAGAGCACTGCTTACCCTTGGCCTATGCGGAAGTAACCAGGTGGACAGCC[A>T]CACAGGTAACCGCCCTCGGTATTGGAACAGCCATAGCTGCAGGGGGCCTGCGCAGAGCCA-3'